The following is an entry in ClinVar:

NM_017514.5(PLXNA3):c.998G>A (p.Arg333Gln)

Gene: PLXNA3 (plexin A3; plus strand). Cytogenetic location: Xq28.
Variant type: single nucleotide variant.
Coding change: c.998G>A on transcript NM_017514.5 (MANE Select); coding-DNA position 998, G replaced by A.
Protein change: p.Arg333Gln; replaces arginine 333 with glutamine.
Molecular consequence: missense variant.
Genome position (GRCh38, 1-based): chrX:154,461,502, G>A. VCF-style: chrX-154461502-G-A. GRCh37 (hg19) VCF-style: chrX-153689842-G-A.
Other names: short protein forms R333Q.
Identifiers: ClinVar variation 2634737 (VCV002634737.3), dbSNP rs200060299, ClinGen allele CA10563878.

ClinVar aggregate classification (germline): Likely benign (0 of 4 stars; one submission).

Conditions:
PLXNA3-related disorder. Also called: PLXNA3-related condition.

Allele frequency attached by ClinVar (database versions not stated): ExAC 0.00008; gnomAD exomes 0.00015; gnomAD 0.00016; ESP Exome Variant Server 0.00019; 1000 Genomes Project 30x 0.00021.
gnomAD v4.1: 179 of 1,210,670 alleles (0.015%); highest among the groups gnomAD compares: African/African-American, 0.019%; no homozygotes.

Submission:

PreventionGenetics, part of Exact Sciences
Classification: Likely benign for PLXNA3-related condition. Last evaluated: 2024-02-28. Review status: no assertion criteria provided. Collection method: clinical testing. Allele origin: germline.
Comment: This variant is classified as likely benign based on ACMG/AMP sequence variant interpretation guidelines (Richards et al. 2015 PMID: 25741868, with internal and published modifications).